The following is an entry in ClinVar:

ClinVar aggregate classification (germline): Uncertain significance. Review status: criteria provided, multiple submitters, no conflicts (2 of 4 stars). 4 submissions from 4 submitters: Uncertain significance (4). Last evaluated 2022-05-20.

Conditions:
Cardiovascular phenotype. Identifiers: MedGen CN230736.
Dilated cardiomyopathy 1G (CMD1G). Identifiers: Orphanet 154, MedGen C1858763, MONDO:0011400, OMIM 604145.
Autosomal recessive limb-girdle muscular dystrophy type 2J (LGMDR10). Also called: MUSCULAR DYSTROPHY, LIMB-GIRDLE, AUTOSOMAL RECESSIVE 10; Limb-girdle muscular dystrophy, type 2J. Identifiers: Orphanet 140922, MedGen C1837342, MONDO:0012127, OMIM 608807.
Myopathy, myofibrillar, 9, with early respiratory failure (MFM9). Also called: EDSTROM MYOPATHY; MYOPATHY, PROXIMAL, WITH EARLY RESPIRATORY MUSCLE INVOLVEMENT; Myopathy, distal, with early respiratory failure, autosomal dominant; Hereditary myopathy with early respiratory failure. Identifiers: Orphanet 178464, Orphanet 34521, MedGen C1863599, MONDO:0011362, OMIM 603689.
Early-onset myopathy with fatal cardiomyopathy (CMYO5). Also called: CONGENITAL MYOPATHY 5 WITH CARDIOMYOPATHY; Salih Myopathy. Identifiers: Orphanet 289377, MedGen C2673677, MONDO:0012714, OMIM 611705. Disease mechanism: loss of function.
Hypertrophic cardiomyopathy 9. Also called: Familial hypertrophic cardiomyopathy 9. Identifiers: MedGen C1861065, MONDO:0013412, OMIM 613765.
Tibial muscular dystrophy (TMD). Also called: UDD MYOPATHY; Tibial muscular dystrophy, tardive; Udd Distal Myopathy – Tibial Muscular Dystrophy. Identifiers: Orphanet 609, MedGen C1838244, MONDO:0010870, OMIM 600334.

Allele frequency attached by ClinVar (database versions not stated): gnomAD 0.00001; gnomAD exomes 0.00001; TOPMed 0.00001.
gnomAD v4.1: 5 of 1,613,310 alleles (0.00031%); highest among the groups gnomAD compares: Non-Finnish European, 0.00042%; no homozygotes.

Submissions (4):

GeneDx
Classification: Uncertain significance. Last evaluated: 2022-05-20. Review status: criteria provided, single submitter. Criteria: GeneDx Variant Classification Process June 2021. Collection method: clinical testing. Allele origin: germline. Affected: yes.
Comment: Observed in an individual with DCM who also had a niece with DCM who did not undergo genetic testing; however, no other DCM-related genes were analyzed (Begay et al., 2015); Not observed at significant frequency in large population cohorts (gnomAD); Missense variant in a gene in which most reported pathogenic variants are truncating/loss of function; This variant is associated with the following publications: (PMID: 26567375)

Fulgent Genetics
Classification: Uncertain significance for Tibial muscular dystrophy; Myopathy, myofibrillar, 9, with early respiratory failure; Dilated cardiomyopathy 1G; Autosomal recessive limb-girdle muscular dystrophy type 2J; Early-onset myopathy with fatal cardiomyopathy; Hypertrophic cardiomyopathy 9. Last evaluated: 2021-09-21. Review status: criteria provided, single submitter. Criteria: ACMG Guidelines, 2015. Collection method: clinical testing. Allele origin: unknown.

Ambry Genetics
Classification: Uncertain significance for Cardiovascular phenotype. Last evaluated: 2019-12-12. Review status: criteria provided, single submitter. Criteria: Ambry Variant Classification Scheme 2023. Collection method: clinical testing. Allele origin: germline.
Comment: The p.S4637P variant (also known as c.13909T>C), located in coding exon 52 of the TTN gene, results from a T to C substitution at nucleotide position 13909. The serine at codon 4637 is replaced by proline, an amino acid with similar properties. This amino acid position is highly conserved in available vertebrate species. In addition, this alteration is predicted to be tolerated by in silico analysis. Since supporting evidence is limited at this time, the clinical significance of this alteration remains unclear.

Labcorp Genetics (formerly Invitae), Labcorp
Classification: Uncertain significance for Dilated cardiomyopathy 1G; Autosomal recessive limb-girdle muscular dystrophy type 2J. Last evaluated: 2015-10-31. Review status: criteria provided, single submitter. Criteria: Invitae Variant Classification Sherloc (09022015). Collection method: clinical testing. Allele origin: germline.

NM_001267550.2(TTN):c.41104T>C (p.Ser13702Pro)

Gene: TTN (titin; minus strand). Cytogenetic location: 2q31.2.
Variant type: single nucleotide variant.
Coding change: c.41104T>C on transcript NM_001267550.2 (MANE Select); coding-DNA position 41104, T replaced by C.
Protein change: p.Ser13702Pro; replaces serine 13702 with proline.
Molecular consequence: missense variant.
Genome position (GRCh38, 1-based): chr2:178,636,623, A>G on the plus strand (T>C on the coding strand, the complement: TTN is on the minus strand). VCF-style: chr2-178636623-A-G. GRCh37 (hg19) VCF-style: chr2-179501350-A-G.
Other names: p.S12061P:TCT>CCT; c.36181T>C, p.Ser12061Pro (NM_001256850.1); c.13909T>C, p.Ser4637Pro (NM_003319.4); c.33400T>C, p.Ser11134Pro (NM_133378.4); c.14284T>C, p.Ser4762Pro (NM_133432.3); c.14485T>C, p.Ser4829Pro (NM_133437.4); c.41104T>C (NM_001267550.1); short protein forms S12061P, S13702P, S11134P, S4637P, S4762P, S4829P.
Identifiers: ClinVar variation 202616 (VCV000202616.10), dbSNP rs72650078, ClinGen allele CA309764.